The following is an entry in ClinVar:

ClinVar aggregate classification (germline): Uncertain significance. Review status: criteria provided, single submitter (1 of 4 stars). 2 submissions from 2 submitters: Uncertain significance (1). 1 of the submissions does not count toward it. Last evaluated 2022-08-21.

Conditions:
Bardet-Biedl syndrome (BBS). Identifiers: Orphanet 110, MedGen C0752166, MONDO:0015229.
TTC8-related disorder. Also called: TTC8-related condition.

Submissions (2):

Labcorp Genetics (formerly Invitae), Labcorp
Classification: Uncertain significance for Bardet-Biedl syndrome. Last evaluated: 2022-08-21. Review status: criteria provided, single submitter. Criteria: Invitae Variant Classification Sherloc (09022015). Collection method: clinical testing. Allele origin: germline.
Comment: This variant has not been reported in the literature in individuals affected with TTC8-related conditions. In summary, the available evidence is currently insufficient to determine the role of this variant in disease. Therefore, it has been classified as a Variant of Uncertain Significance. Algorithms developed to predict the effect of sequence changes on RNA splicing suggest that this variant may create or strengthen a splice site. Algorithms developed to predict the effect of missense changes on protein structure and function (SIFT, PolyPhen-2, Align-GVGD) all suggest that this variant is likely to be tolerated. This variant is not present in population databases (gnomAD no frequency). This sequence change replaces leucine, which is neutral and non-polar, with phenylalanine, which is neutral and non-polar, at codon 167 of the TTC8 protein (p.Leu167Phe).

PreventionGenetics, part of Exact Sciences
Classification: Uncertain significance for TTC8-related condition. Last evaluated: 2024-05-30. Review status: no assertion criteria provided. Collection method: clinical testing. Allele origin: germline. Not counted in ClinVar's aggregate classification.
Comment: The TTC8 c.531A>T variant is predicted to result in the amino acid substitution p.Leu177Phe. To our knowledge, this variant has not been reported in the literature or in a large population database, indicating this variant is rare. At this time, the clinical significance of this variant is uncertain due to the absence of conclusive functional and genetic evidence.

NM_144596.4(TTC8):c.531A>T (p.Leu177Phe)

Gene: TTC8 (tetratricopeptide repeat domain 8; plus strand). Cytogenetic location: 14q31.3.
Variant type: single nucleotide variant.
Coding change: c.531A>T on transcript NM_144596.4 (MANE Select); coding-DNA position 531, A replaced by T.
Protein change: p.Leu177Phe; replaces leucine 177 with phenylalanine.
Molecular consequence: missense variant. On other transcripts: 5 prime UTR variant (1), non-coding transcript variant (1), intron variant (3).
Genome position (GRCh38, 1-based): chr14:88,841,466, A>T. VCF-style: chr14-88841466-A-T. GRCh37 (hg19) VCF-style: chr14-89307810-A-T.
Other names: c.531A>T (NM_144596.3); c.501A>T, p.Leu167Phe (NM_001288781.1, NM_001366535.2, NM_198309.3); c.-62A>T (NM_001288782.1); c.-199+270A>T (NM_001288783.1); c.459+270A>T (NM_198310.3, NM_001366536.2); short protein forms L167F, L177F.
Identifiers: ClinVar variation 2197895 (VCV002197895.5), dbSNP rs2094781235, ClinGen allele CA390575406.